The following is an entry in ClinVar:

NM_003489.4(NRIP1):c.3239C>T (p.Thr1080Ile)

Gene: NRIP1 (nuclear receptor interacting protein 1; minus strand). Cytogenetic location: 21q11.2.
Variant type: single nucleotide variant.
Coding change: c.3239C>T on transcript NM_003489.4 (MANE Select); coding-DNA position 3239, C replaced by T.
Protein change: p.Thr1080Ile; replaces threonine 1080 with isoleucine.
Molecular consequence: missense variant.
Genome position (GRCh38, 1-based): chr21:14,964,954, G>A on the plus strand (C>T on the coding strand, the complement: NRIP1 is on the minus strand). VCF-style: chr21-14964954-G-A. GRCh37 (hg19) VCF-style: chr21-16337275-G-A.
Other names: short protein forms T1080I.
Identifiers: ClinVar variation 2221526 (VCV002221526.3), dbSNP rs147310650, ClinGen allele CA9981004.
Genomic context (GRCh38, chr21:14,964,954, plus strand): 5'-GAGACACTTTCAGCAGATGAAGCCTCCCTCCAAATGTCCTTGTCTTGTGTTTCTCGACTG[G>A]TAACAGAATTGCCTCCTTTTTGAAGCATGTAATATAGTATTGGGTTGGTTTTGGTCAATC-3'
Protein context (NP_003480.2, residues 1070-1090): YMLQKGGNSV[Thr1080Ile]SRETQDKDIW

ClinVar aggregate classification (germline): Uncertain significance. Review status: criteria provided, multiple submitters, no conflicts (2 of 4 stars). 2 submissions from 2 submitters: Uncertain significance (2). Last evaluated 2025-03-22.

Conditions:
Inborn genetic diseases. Identifiers: MedGen C0950123, MeSH D030342.

Allele frequency attached by ClinVar (database versions not stated): gnomAD 0.00001; ExAC 0.00002; ESP Exome Variant Server 0.00008.
gnomAD v4.1: 33 of 1,613,812 alleles (0.002%); highest among the groups gnomAD compares: African/African-American, 0.004%; no homozygotes.

Submissions (2):

Labcorp Genetics (formerly Invitae), Labcorp
Classification: Uncertain significance. Last evaluated: 2025-03-22. Review status: criteria provided, single submitter. Criteria: Invitae Variant Classification Sherloc (09022015). Collection method: clinical testing. Allele origin: germline.
Comment: This sequence change replaces threonine, which is neutral and polar, with isoleucine, which is neutral and non-polar, at codon 1080 of the NRIP1 protein (p.Thr1080Ile). This variant is present in population databases (rs147310650, gnomAD 0.008%). This variant has not been reported in the literature in individuals affected with NRIP1-related conditions. ClinVar contains an entry for this variant (Variation ID: 2221526). An algorithm developed to predict the effect of missense changes on protein structure and function (PolyPhen-2) suggests that this variant is likely to be tolerated. In summary, the available evidence is currently insufficient to determine the role of this variant in disease. Therefore, it has been classified as a Variant of Uncertain Significance.

Ambry Genetics
Classification: Uncertain significance for Inborn genetic diseases. Last evaluated: 2022-10-06. Review status: criteria provided, single submitter. Criteria: Ambry Variant Classification Scheme 2023. Collection method: clinical testing. Allele origin: germline.